The following is an entry in ClinVar:

ClinVar aggregate classification (germline): Uncertain significance (1 of 4 stars; one submission).

Conditions:
Hereditary cancer-predisposing syndrome. Also called: Hereditary Cancer Syndrome; Hereditary neoplastic syndrome; Neoplastic Syndromes, Hereditary; Tumor predisposition. Identifiers: Orphanet 140162, MedGen C0027672, MeSH D009386, MONDO:0015356.

gnomAD v4.1: 2 of 1,612,514 alleles (0.00012%); highest among the groups gnomAD compares: Non-Finnish European, 0.00017%; no homozygotes.

Submission:

Ambry Genetics
Classification: Uncertain significance for Hereditary cancer-predisposing syndrome. Last evaluated: 2025-03-15. Review status: criteria provided, single submitter. Criteria: Ambry Variant Classification Scheme 2023. Collection method: clinical testing. Allele origin: germline.
Comment: The p.G114D variant (also known as c.341G>A), located in coding exon 4 of the MRE11A gene, results from a G to A substitution at nucleotide position 341. The glycine at codon 114 is replaced by aspartic acid, an amino acid with similar properties. This amino acid position is conserved. In addition, this alteration is predicted to be tolerated by in silico analysis. Based on the available evidence, the clinical significance of this variant remains unclear.

NM_005591.4(MRE11):c.341G>A (p.Gly114Asp)

Gene: MRE11 (MRE11 double strand break repair nuclease; minus strand). Cytogenetic location: 11q21.
Variant type: single nucleotide variant.
Coding change: c.341G>A on transcript NM_005591.4 (MANE Select); coding-DNA position 341, G replaced by A.
Protein change: p.Gly114Asp; replaces glycine 114 with aspartic acid.
Molecular consequence: missense variant.
Genome position (GRCh38, 1-based): chr11:94,479,735, C>T on the plus strand (G>A on the coding strand, the complement: MRE11 is on the minus strand). VCF-style: chr11-94479735-C-T. GRCh37 (hg19) VCF-style: chr11-94212901-C-T.
Other names: c.341G>A, p.Gly114Asp (NM_001330347.2, NM_005590.4); short protein forms G114D.
Identifiers: ClinVar variation 3912858 (VCV003912858.1).